The following is an entry in ClinVar:

ClinVar aggregate classification (germline): Benign (0 of 4 stars; one submission).

Conditions:
TNK1-related disorder. Also called: TNK1-related condition.

Allele frequency attached by ClinVar (database versions not stated): 1000 Genomes Project 30x 0.26796; 1000 Genomes Project 0.27396; ESP Exome Variant Server 0.29348; TOPMed 0.31008; gnomAD 0.31708; ExAC 0.36007; gnomAD exomes 0.38650.
gnomAD v4.1: 612,313 of 1,613,730 alleles (38%); highest among the groups gnomAD compares: East Asian, 52%; 122,219 homozygotes.

Submission:

PreventionGenetics, part of Exact Sciences
Classification: Benign for TNK1-related condition. Last evaluated: 2019-10-17. Review status: no assertion criteria provided. Collection method: clinical testing. Allele origin: germline.
Comment: This variant is classified as benign based on ACMG/AMP sequence variant interpretation guidelines (Richards et al. 2015 PMID: 25741868, with internal and published modifications).

NM_003985.6(TNK1):c.21C>T (p.Ser7=)

Gene: TNK1 (tyrosine kinase non receptor 1; plus strand). Cytogenetic location: 17p13.1.
Variant type: single nucleotide variant.
Coding change: c.21C>T on transcript NM_003985.6 (MANE Select); coding-DNA position 21, C replaced by T.
Protein change: p.Ser7=; no amino-acid change (serine 7 retained).
Molecular consequence: synonymous variant.
Genome position (GRCh38, 1-based): chr17:7,382,947, C>T. VCF-style: chr17-7382947-C-T. GRCh37 (hg19) VCF-style: chr17-7286266-C-T.
Other names: c.21C>T, p.Ser7= (NM_001251902.3).
Identifiers: ClinVar variation 3060635 (VCV003060635.2), dbSNP rs1554947, ClinGen allele CA8344810.